The following is an entry in ClinVar:

NM_001042492.3(NF1):c.3902_3903insTTATTACGAATTG (p.Asp1302fs)

Gene: NF1 (neurofibromin 1; plus strand). Cytogenetic location: 17q11.2.
Variant type: Insertion.
Coding change: c.3902_3903insTTATTACGAATTG on transcript NM_001042492.3 (MANE Select); coding-DNA positions 3902 to 3903, TTATTACGAATTG inserted.
Protein change: p.Asp1302fs; shifts the reading frame from aspartic acid 1302.
Molecular consequence: frameshift variant.
Genome position: GRCh38 VCF-style: chr17-31235949-T-TTTATTACGAATTG. GRCh37 (hg19) VCF-style: chr17-29562967-T-TTTATTACGAATTG.
Other names: c.3902_3903insTTATTACGAATTG, p.Asp1302Tyrfs (NM_000267.4); short protein forms D1302fs.
Identifiers: ClinVar variation 187137 (VCV000187137.3), dbSNP rs786203500, ClinGen allele CA196824.
Genomic context (GRCh38, chr17:31,235,949, plus strand): 5'-AATAAACTCCTATTCGTGCATTTCTGTAGGTATATGGTGCTACCTATCTACAAAAACTCC[T>TTTATTACGAATTG]GGATCCTTTATTACGAATTGTGATCACATCCTCTGATTGGCAACATGTTAGCTTTGAAGT-3'

ClinVar aggregate classification (germline): Pathogenic (1 of 4 stars; one submission).

Conditions:
Hereditary cancer-predisposing syndrome. Also called: Neoplastic Syndromes, Hereditary; Tumor predisposition; Hereditary Cancer Syndrome; Hereditary neoplastic syndrome. Identifiers: Orphanet 140162, MedGen C0027672, MeSH D009386, MONDO:0015356.

Submission:

Ambry Genetics
Classification: Pathogenic for Hereditary cancer-predisposing syndrome. Last evaluated: 2014-11-21. Review status: criteria provided, single submitter. Criteria: Ambry Autosomal Dominant and X-Linked criteria (10/2015). Collection method: clinical testing. Allele origin: germline. Observed: 1 variant allele.
Comment: The c.3902_3903ins13pathogenic mutation, located in coding exon 29 of the NF1 gene, results from an insertion of 13 nucleotides at position 3902, causing a translational frameshift with a predicted alternate stop codon. Since frameshifts are typically deleterious in nature, this alteration is interpreted as a disease-causing mutation (ACMG Recommendations for Standards for Interpretation and Reporting of Sequence Variations. Revision 2007. Genet Med. 2008;10:294).